The following is an entry in ClinVar:

GRCh38/hg38 13q21.1-21.2(chr13:55203868-61564186)x3

Genes: DIAPH3 (diaphanous related formin 3; minus strand), DIAPH3-AS1 (DIAPH3 antisense RNA 1; plus strand), DIAPH3-AS2 (DIAPH3 antisense RNA 2; plus strand), LINC00374 (long independently transcribed non-coding RNA 374; minus strand), LINC00378 (long independently transcribed non-coding RNA 378; plus strand) and 32 more. Cytogenetic location: 13q21.1-21.2.
Variant type: copy number gain.
Change: copy number 3 (three copies instead of two) of chr13:55,203,868-61,564,186 (6.36 Mb, GRCh38 coordinates, 1-based), cytogenetic band 13q21.1-21.2.
Identifiers: ClinVar variation 4974687 (VCV004974687.1).

ClinVar aggregate classification (germline): Uncertain significance (1 of 4 stars; one submission).

Submission:

Clinical Genomics Laboratory, Laboratory for Precision Diagnostics, University of Washington
Classification: Uncertain significance. Last evaluated: 2024-05-17. Review status: criteria provided, single submitter. Criteria: ACMG/ClinGen CNV Guidelines, 2019. Collection method: clinical testing. Allele origin: unknown. Affected: yes. Observed: 1 variant allele.
Comment: This interstitial duplication is approximately 6.4 Mb in size and is within a relatively gene-poor region, containing only 9 protein-coding genes. Only one of these (DIAPH3 OMIM 614567) is associated with human health problems. None of the genes in this region are known to cause medical problems in humans when an extra copy is present (triplosensitivity), and this is not a known triplosensitive genomic region. Two adjacent variants in the DIAPH3 5' untranslated region have been described in two unrelated families with autosomal dominant auditory neuropathy 1 (OMIM 609129). PMID:20624953 showed that family members with a DIAPH3 c.-172 G-A substitution had increased expression of DIAPH3, correlated with increased protein expression, compared to controls. PMID:27658576 detected a DIAPH3 c.-173 C-T substitution in 3 affected members of a family with autosomal dominant auditory neuropathy 1. No functional studies were done. PMID:18386805 described a family in which an approximate 12 Mb duplication of 13q21.1q21.33 (approx GRCh38 chr13:57,635,978-69,587,660) was segregating through three generations. The duplication included DIAPH3 and is larger than the one seen in this fetus. Family members carrying the duplication had a high forehead, a long and wide philtrum, a pointed chin, a tendency to delayed tooth eruption, and adult-onset sensorineural hearing loss. No mention was made of hearing loss. The duplication included DIAPH3 and is larger than the one seen in this fetus. Two large duplications that overlap with this one have been seen previously in this laboratory. Inheritance was unknown.

Literature cited by the submitters: PubMed 17853472; PubMed 18386805; PubMed 27658576; PubMed 20624953.